The following is an entry in ClinVar:

NM_001793.6(CDH3):c.532A>G (p.Ile178Val)

Gene: CDH3 (cadherin 3; plus strand). Cytogenetic location: 16q22.1.
Variant type: single nucleotide variant.
Coding change: c.532A>G on transcript NM_001793.6 (MANE Select); coding-DNA position 532, A replaced by G.
Protein change: p.Ile178Val; replaces isoleucine 178 with valine.
Molecular consequence: missense variant.
Genome position (GRCh38, 1-based): chr16:68,678,642, A>G. VCF-style: chr16-68678642-A-G. GRCh37 (hg19) VCF-style: chr16-68712545-A-G.
Other names: c.532A>G, p.Ile178Val (NM_001317195.3); c.367A>G, p.Ile123Val (NM_001317196.2); short protein forms I123V, I178V.
Identifiers: ClinVar variation 1718829 (VCV001718829.5), dbSNP rs2543729731, ClinGen allele CA396449179.

ClinVar aggregate classification (germline): Uncertain significance (1 of 4 stars; one submission).

Submission:

Labcorp Genetics (formerly Invitae), Labcorp
Classification: Uncertain significance. Last evaluated: 2022-08-22. Review status: criteria provided, single submitter. Criteria: Invitae Variant Classification Sherloc (09022015). Collection method: clinical testing. Allele origin: germline.
Comment: This sequence change replaces isoleucine, which is neutral and non-polar, with valine, which is neutral and non-polar, at codon 178 of the CDH3 protein (p.Ile178Val). In summary, the available evidence is currently insufficient to determine the role of this variant in disease. Therefore, it has been classified as a Variant of Uncertain Significance. Algorithms developed to predict the effect of missense changes on protein structure and function are either unavailable or do not agree on the potential impact of this missense change (SIFT: "Not Available"; PolyPhen-2: "Benign"; Align-GVGD: "Not Available"). This variant has not been reported in the literature in individuals affected with CDH3-related conditions. This variant is not present in population databases (gnomAD no frequency).